The following is an entry in ClinVar:

ClinVar aggregate classification (germline): Uncertain significance (1 of 4 stars; one submission).

Submission:

Ambry Genetics
Classification: Uncertain significance. Last evaluated: 2025-05-31. Review status: criteria provided, single submitter. Criteria: Ambry Variant Classification Scheme 2023. Collection method: clinical testing. Allele origin: germline.
Comment: The p.R1404H variant (also known as c.4211G>A), located in coding exon 14 of the CDK12 gene, results from a G to A substitution at nucleotide position 4211. The arginine at codon 1404 is replaced by histidine, an amino acid with highly similar properties. This amino acid position is conserved. In addition, the in silico prediction for this alteration is inconclusive. Based on the available evidence, the clinical significance of this variant remains unclear.

NM_016507.4(CDK12):c.4211G>A (p.Arg1404His)

Gene: CDK12 (cyclin dependent kinase 12; plus strand). Cytogenetic location: 17q12.
Variant type: single nucleotide variant.
Coding change: c.4211G>A on transcript NM_016507.4 (MANE Select); coding-DNA position 4211, G replaced by A.
Protein change: p.Arg1404His; replaces arginine 1404 with histidine.
Molecular consequence: missense variant.
Genome position (GRCh38, 1-based): chr17:39,531,054, G>A. VCF-style: chr17-39531054-G-A. GRCh37 (hg19) VCF-style: chr17-37687307-G-A.
Other names: c.4184G>A, p.Arg1395His (NM_015083.4); short protein forms R1404H, R1395H.
Identifiers: ClinVar variation 3999514 (VCV003999514.1).